The following is an entry in ClinVar:

ClinVar aggregate classification (germline): Uncertain significance (1 of 4 stars; one submission).

Allele frequency attached by ClinVar (database versions not stated): gnomAD exomes below 0.00001.

Submission:

Labcorp Genetics (formerly Invitae), Labcorp
Classification: Uncertain significance. Last evaluated: 2022-02-02. Review status: criteria provided, single submitter. Criteria: Invitae Variant Classification Sherloc (09022015). Collection method: clinical testing. Allele origin: germline.
Comment: In summary, the available evidence is currently insufficient to determine the role of this variant in disease. Therefore, it has been classified as a Variant of Uncertain Significance. Algorithms developed to predict the effect of sequence changes on RNA splicing suggest that this variant may disrupt the consensus splice site. This variant has not been reported in the literature in individuals affected with RNF43-related conditions. This variant is not present in population databases (gnomAD no frequency). This sequence change affects a donor splice site in intron 8 of the RNF43 gene. It is expected to disrupt RNA splicing. Variants that disrupt the donor or acceptor splice site typically lead to a loss of protein function (PMID: 16199547), however the current clinical and genetic evidence is not sufficient to establish whether loss-of-function variants in RNF43 cause disease.

Literature cited by the submitters: PubMed 16199547.

NM_017763.6(RNF43):c.952+2T>C

Gene: RNF43 (ring finger protein 43; minus strand). Cytogenetic location: 17q22.
Variant type: single nucleotide variant.
Coding change: c.952+2T>C on transcript NM_017763.6 (MANE Select); the canonical splice donor site of the intron after coding-DNA position 952, T replaced by C.
Molecular consequence: splice donor variant.
Genome position (GRCh38, 1-based): chr17:58,360,147, A>G on the plus strand (T>C on the coding strand, the complement: RNF43 is on the minus strand). VCF-style: chr17-58360147-A-G. GRCh37 (hg19) VCF-style: chr17-56437508-A-G.
Other names: c.952+2T>C (NM_001438822.1, NM_001305544.3, NM_001438820.1 and 1 more transcripts); c.571+2T>C (NM_001305545.2, NM_001437987.1).
Identifiers: ClinVar variation 2091720 (VCV002091720.4), dbSNP rs2143438290, ClinGen allele CA400332698.